The following is an entry in ClinVar:

NM_002755.4(MAP2K1):c.*917dup

Genes: SNAPC5 (small nuclear RNA activating complex polypeptide 5; minus strand), MAP2K1 (mitogen-activated protein kinase kinase 1; plus strand). Cytogenetic location: 15q22.31.
Variant type: Duplication.
Coding change: c.*917dup on transcript NM_002755.4 (MANE Select); 917 bases downstream of the stop codon, one base duplicated (A; older notation c.*917dupA).
Molecular consequence: 3 prime UTR variant. On other transcripts: intron variant (1).
Genome position (GRCh38, 1-based): chr15:66,491,532, A duplicated; the last of 10 consecutive A bases (chr15:66,491,523-66,491,532); duplicating any one gives the same sequence. VCF-style (leftmost placement, unchanged base first): chr15-66491522-T-TA. GRCh37 (hg19) VCF-style: chr15-66783860-T-TA.
Other names: c.*917dup (NM_001411065.1); c.*22-806dup (NM_006049.4).
Identifiers: ClinVar variation 316849 (VCV000316849.29), dbSNP rs886051370, ClinGen allele CA10636398.

ClinVar aggregate classification (germline): Benign (1 of 4 stars; one submission).

Submission:

CeGaT Center for Human Genetics Tuebingen
Classification: Benign. Last evaluated: 2022-04-01. Review status: criteria provided, single submitter. Criteria: CeGaT Center For Human Genetics Tuebingen Variant Classification Criteria Version 2. Collection method: clinical testing. Allele origin: germline. Affected: yes. Observed: 1 variant allele.
Comment: MAP2K1: BS1, BS2